The following is an entry in ClinVar:

NM_016363.5(GP6):c.344C>T (p.Ser115Leu)

Gene: GP6 (glycoprotein VI platelet; minus strand). Cytogenetic location: 19q13.42.
Variant type: single nucleotide variant.
Coding change: c.344C>T on transcript NM_016363.5 (MANE Select); coding-DNA position 344, C replaced by T.
Protein change: p.Ser115Leu; replaces serine 115 with leucine.
Molecular consequence: missense variant.
Genome position (GRCh38, 1-based): chr19:55,027,844, G>A on the plus strand (C>T on the coding strand, the complement: GP6 is on the minus strand). VCF-style: chr19-55027844-G-A. GRCh37 (hg19) VCF-style: chr19-55539212-G-A.
Other names: c.344C>T, p.Ser115Leu (NM_001083899.2, NM_001256017.2); short protein forms S115L.
Identifiers: ClinVar variation 1700529 (VCV001700529.2), dbSNP rs773447414, ClinGen allele CA310130319.

ClinVar aggregate classification (germline): Uncertain significance (1 of 4 stars; one submission).

Submission:

GeneDx
Classification: Uncertain significance. Last evaluated: 2022-01-21. Review status: criteria provided, single submitter. Criteria: GeneDx Variant Classification Process June 2021. Collection method: clinical testing. Allele origin: germline. Affected: yes.
Comment: In silico analysis supports that this missense variant has a deleterious effect on protein structure/function; Has not been previously published as pathogenic or benign to our knowledge